The following is an entry in ClinVar:

NM_001080414.4(CCDC88C):c.2456A>G (p.Asp819Gly)

Gene: CCDC88C (coiled-coil and HOOK domain protein 88C; minus strand). Cytogenetic location: 14q32.11.
Variant type: single nucleotide variant.
Coding change: c.2456A>G on transcript NM_001080414.4 (MANE Select); coding-DNA position 2456, A replaced by G.
Protein change: p.Asp819Gly; replaces aspartic acid 819 with glycine.
Molecular consequence: missense variant.
Genome position (GRCh38, 1-based): chr14:91,313,360, T>C on the plus strand (A>G on the coding strand, the complement: CCDC88C is on the minus strand). VCF-style: chr14-91313360-T-C. GRCh37 (hg19) VCF-style: chr14-91779704-T-C.
Other names: short protein forms D819G.
Identifiers: ClinVar variation 158097 (VCV000158097.60), dbSNP rs61743881, ClinGen allele CA171514.

ClinVar aggregate classification (germline): Conflicting classifications of pathogenicity. Review status: criteria provided, conflicting classifications (1 of 4 stars). 8 submissions from 8 submitters: Uncertain significance (1); Likely benign (4). 3 of the submissions do not count toward it. Last evaluated 2026-08-01.

Conditions:
CCDC88C-related disorder. Also called: CCDC88C-related condition; CCDC88C-Related Disorders.

Allele frequency attached by ClinVar (database versions not stated): 1000 Genomes Project 30x 0.00016; 1000 Genomes Project 0.00020; gnomAD 0.00101 and 0.00107; ExAC 0.00102; gnomAD exomes 0.00110 and 0.00140; TOPMed 0.00132; ESP Exome Variant Server 0.00220.
gnomAD v4.1: 2,208 of 1,611,430 alleles (0.14%); highest among the groups gnomAD compares: Admixed American, 0.22%; 3 homozygotes.

Submissions (8):

CeGaT Center for Human Genetics Tuebingen
Classification: Likely benign. Last evaluated: 2026-08-01. Review status: criteria provided, single submitter. Criteria: CeGaT Center For Human Genetics Tuebingen Variant Classification Criteria Version 2. Collection method: clinical testing. Allele origin: germline. Affected: yes. Observed: 4 variant alleles.
Comment: CCDC88C: BP4, BS2

Labcorp Genetics (formerly Invitae), Labcorp
Classification: Likely benign. Last evaluated: 2026-02-01. Review status: criteria provided, single submitter. Criteria: Invitae Variant Classification Sherloc (09022015). Collection method: clinical testing. Allele origin: germline.

Blueprint Genetics
Classification: Likely benign. Last evaluated: 2024-11-26. Review status: criteria provided, single submitter. Criteria: ACMG Guidelines, 2015. Collection method: clinical testing. Allele origin: germline.

GeneDx
Classification: Uncertain significance. Last evaluated: 2024-03-12. Review status: criteria provided, single submitter. Criteria: GeneDx Variant Classification Process June 2021. Collection method: clinical testing. Allele origin: germline. Affected: yes.
Comment: In silico analysis supports that this missense variant has a deleterious effect on protein structure/function; Has not been previously published as pathogenic or benign to our knowledge

Genetic Services Laboratory, University of Chicago
Classification: Likely benign. Last evaluated: 2017-05-24. Review status: criteria provided, single submitter. Criteria: ACMG Guidelines, 2015. Collection method: clinical testing. Allele origin: germline. Affected: no.

PreventionGenetics, part of Exact Sciences
Classification: Likely benign for CCDC88C-related condition. Last evaluated: 2022-05-22. Review status: no assertion criteria provided. Collection method: clinical testing. Allele origin: germline. Not counted in ClinVar's aggregate classification.
Comment: This variant is classified as likely benign based on ACMG/AMP sequence variant interpretation guidelines (Richards et al. 2015 PMID: 25741868, with internal and published modifications).

Clinical Genetics DNA and cytogenetics Diagnostics Lab, Erasmus MC, Erasmus Medical Center
Classification: Uncertain significance. Review status: no assertion criteria provided. Collection method: clinical testing. Allele origin: germline. Affected: yes. Study: VKGL Data-share Consensus. Not counted in ClinVar's aggregate classification.

Diagnostic Laboratory, Department of Genetics, University Medical Center Groningen
Classification: Uncertain significance. Review status: no assertion criteria provided. Collection method: clinical testing. Allele origin: germline. Affected: yes. Study: VKGL Data-share Consensus. Not counted in ClinVar's aggregate classification.